The following is an entry in ClinVar:

NM_032119.4(ADGRV1):c.15338_15341delinsGGAG (p.Leu5113_Asn5114delinsArgSer)

Gene: ADGRV1 (adhesion G protein-coupled receptor V1; plus strand). Cytogenetic location: 5q14.3.
Variant type: Indel.
Coding change: c.15338_15341delinsGGAG on transcript NM_032119.4 (MANE Select); coding-DNA positions 15338 to 15341, TGAA replaced by GGAG.
Protein change: p.Leu5113_Asn5114delinsArgSer.
Molecular consequence: missense variant. On other transcripts: non-coding transcript variant (1).
Genome position (GRCh38, 1-based): chr5:90,810,598-90,810,601, TGAA replaced by GGAG. VCF-style: chr5-90810598-TGAA-GGAG. GRCh37 (hg19) VCF-style: chr5-90106415-TGAA-GGAG.
Identifiers: ClinVar variation 2136111 (VCV002136111.1), dbSNP rs2532185940, ClinGen allele CA2580073775.

ClinVar aggregate classification (germline): Uncertain significance (1 of 4 stars; one submission).

Submission:

GeneDx
Classification: Uncertain significance. Last evaluated: 2022-07-18. Review status: criteria provided, single submitter. Criteria: GeneDx Variant Classification Process June 2021. Collection method: clinical testing. Allele origin: germline. Affected: yes.
Comment: Not observed at significant frequency in large population cohorts (gnomAD); In silico analysis supports a deleterious effect on protein structure/function; Has not been previously published as pathogenic or benign to our knowledge